The following is an entry in ClinVar:

ClinVar aggregate classification (germline): Benign. Review status: criteria provided, multiple submitters, no conflicts (2 of 4 stars). 12 submissions from 11 submitters: Benign (9). 3 of the submissions do not count toward it. Last evaluated 2026-02-03.

Conditions:
Emery-Dreifuss muscular dystrophy 4, autosomal dominant (EDMD4). Also called: EMERY-DREIFUSS MUSCULAR DYSTROPHY 4 WITH VARIABLE FEATURES. Identifiers: Orphanet 261, MedGen C2751807, MONDO:0013071, OMIM 612998.
Autosomal recessive ataxia, Beauce type. Also called: SYNE1 Deficiency; Spinocerebellar ataxia, autosomal recessive 8; ATAXIA, RECESSIVE, OF BEAUCE; SYNE1-Related Autosomal Recessive Cerebellar Ataxia. Identifiers: Orphanet 88644, MedGen C1853116, MONDO:0012549, OMIM 610743.

Allele frequency attached by ClinVar (database versions not stated): TOPMed 0.13955; ESP Exome Variant Server 0.14255; 1000 Genomes Project 30x 0.14304; gnomAD 0.14557 and 0.14950; 1000 Genomes Project 0.14776; ExAC 0.18751; gnomAD exomes 0.19007.
gnomAD v4.1: 302,460 of 1,613,740 alleles (19%); highest among the groups gnomAD compares: South Asian, 22%; 30,213 homozygotes.

Submissions (12):

Labcorp Genetics (formerly Invitae), Labcorp
Classification: Benign for Emery-Dreifuss muscular dystrophy 4, autosomal dominant; Autosomal recessive ataxia, Beauce type. Last evaluated: 2026-02-03. Review status: criteria provided, single submitter. Criteria: Invitae Variant Classification Sherloc (09022015). Collection method: clinical testing. Allele origin: germline.

Blueprint Genetics
Classification: Benign. Last evaluated: 2024-11-27. Review status: criteria provided, single submitter. Criteria: ACMG Guidelines, 2015. Collection method: clinical testing. Allele origin: germline.

Athena Diagnostics
Classification: Benign. Last evaluated: 2018-11-02. Review status: criteria provided, single submitter. Criteria: Athena Diagnostics Criteria. Collection method: clinical testing. Allele origin: germline.

Illumina Laboratory Services, Illumina
Classification: Benign for Emery-Dreifuss muscular dystrophy 4, autosomal dominant. Last evaluated: 2018-01-13. Review status: criteria provided, single submitter. Criteria: ICSL Variant Classification Criteria 13 December 2019. Collection method: clinical testing. Allele origin: germline.
Comment: This variant was observed in the ICSL laboratory as part of a predisposition screen in an ostensibly healthy population. It had not been previously curated by ICSL or reported in the Human Gene Mutation Database (HGMD: prior to June 1st, 2018), and was therefore a candidate for classification through an automated scoring system. Utilizing variant allele frequency, disease prevalence and penetrance estimates, and inheritance mode, an automated score was calculated to assess if this variant is too frequent to cause the disease. Based on the score and internal cut-off values, a variant classified as benign is not then subjected to further curation. The score for this variant resulted in a classification of benign for this disease.

Illumina Laboratory Services, Illumina
Classification: Benign for Autosomal recessive ataxia, Beauce type. Last evaluated: 2018-01-13. Review status: criteria provided, single submitter. Criteria: ICSL Variant Classification Criteria 13 December 2019. Collection method: clinical testing. Allele origin: germline.
Comment: the same text as in the submission from Illumina Laboratory Services, Illumina above.

Mayo Clinic Laboratories, Mayo Clinic
Classification: Benign. Last evaluated: 2017-08-21. Review status: criteria provided, single submitter. Criteria: ACMG Guidelines, 2015. Collection method: clinical testing. Allele origin: germline. Observed: 396 variant alleles.

Eurofins Ntd Llc (ga)
Classification: Benign. Last evaluated: 2017-01-05. Review status: criteria provided, single submitter. Criteria: EGL Classification Definitions 2015. Collection method: clinical testing. Allele origin: germline. Observed: 4 variant alleles, 4 heterozygotes.

GeneDx
Classification: Benign. Last evaluated: 2016-01-29. Review status: criteria provided, single submitter. Criteria: GeneDx Variant Classification (06012015). Collection method: clinical testing. Allele origin: germline. Affected: yes.
Comment: This variant is considered likely benign or benign based on one or more of the following criteria: it is a conservative change, it occurs at a poorly conserved position in the protein, it is predicted to be benign by multiple in silico algorithms, and/or has population frequency not consistent with disease.

PreventionGenetics, part of Exact Sciences
Classification: Benign. Review status: criteria provided, single submitter. Criteria: ACMG Guidelines, 2015. Collection method: clinical testing. Allele origin: germline.

Clinical Genetics DNA and cytogenetics Diagnostics Lab, Erasmus MC, Erasmus Medical Center
Classification: Benign. Review status: no assertion criteria provided. Collection method: clinical testing. Allele origin: germline. Affected: yes. Study: VKGL Data-share Consensus. Not counted in ClinVar's aggregate classification.

Clinical Genetics, Academic Medical Center
Classification: Benign. Review status: no assertion criteria provided. Collection method: clinical testing. Allele origin: germline. Affected: yes. Study: VKGL Data-share Consensus. Not counted in ClinVar's aggregate classification.

Genetic Services Laboratory, University of Chicago
Classification: Likely benign for AllHighlyPenetrant. Review status: no assertion criteria provided. Collection method: clinical testing. Allele origin: germline. Inheritance: Autosomal dominant inheritance. Not counted in ClinVar's aggregate classification.
Comment: Likely benign based on allele frequency in 1000 Genomes Project or ESP global frequency and its presence in a patient with a rare or unrelated disease phenotype. NOT Sanger confirmed.

NM_182961.4(SYNE1):c.17745C>T (p.His5915=)

Gene: SYNE1 (spectrin repeat containing nuclear envelope protein 1; minus strand). Cytogenetic location: 6q25.2.
Variant type: single nucleotide variant.
Coding change: c.17745C>T on transcript NM_182961.4 (MANE Select); coding-DNA position 17745, C replaced by T.
Protein change: p.His5915=; no amino-acid change (histidine 5915 retained).
Molecular consequence: synonymous variant.
Genome position (GRCh38, 1-based): chr6:152,294,065, G>A on the plus strand (C>T on the coding strand, the complement: SYNE1 is on the minus strand). VCF-style: chr6-152294065-G-A. GRCh37 (hg19) VCF-style: chr6-152615200-G-A.
Other names: p.His5844=; c.17532C>T, p.His5844= (NM_033071.5).
Identifiers: ClinVar variation 130414 (VCV000130414.28), dbSNP rs12664753, ClinGen allele CA155389.